The following is an entry in ClinVar:

NM_213653.4(HJV):c.140T>C (p.Val47Ala)

Gene: HJV (hemojuvelin BMP co-receptor; minus strand). Cytogenetic location: 1q21.1.
Variant type: single nucleotide variant.
Coding change: c.140T>C on transcript NM_213653.4 (MANE Select); coding-DNA position 140, T replaced by C.
Protein change: p.Val47Ala; replaces valine 47 with alanine.
Molecular consequence: missense variant. On other transcripts: 5 prime UTR variant (1), intron variant (3).
Genome position (GRCh38, 1-based): chr1:146,019,692, A>G on the plus strand (T>C on the coding strand, the complement: HJV is on the minus strand). VCF-style: chr1-146019692-A-G. GRCh37 (hg19) VCF-style: chr1-145415321-T-C.
Other names: c.140T>C, p.Val47Ala (NM_001379352.1); c.-200T>C (NM_145277.5); c.-21-992T>C (NM_213652.4); c.-22+6T>C (NM_202004.4, NM_001316767.2); short protein forms V47A.
Identifiers: ClinVar variation 3106085 (VCV003106085.2), dbSNP rs1441174539, ClinGen allele CA342143829.
Genomic context (GRCh38, chr1:146,019,692, plus strand): 5'-CCTCCTCCTCCTCGAAGTGCTCCTGATGAACCCCCACCTCTAAGGCTCAGAGTGGACGAT[A>G]CGTACTCAGCATTGCAGCGGAGGATCTTGCATTGAGAATGAGCTAAAGACAGAAGGGAGA-3'
Protein context (NP_998818.1, residues 37-57): CKILRCNAEY[Val47Ala]SSTLSLRGGG

ClinVar aggregate classification (germline): Uncertain significance. Review status: criteria provided, multiple submitters, no conflicts (2 of 4 stars). 2 submissions from 2 submitters: Uncertain significance (2). Last evaluated 2025-06-24.

Conditions:
HJV-related disorder. Also called: HJV-related condition.

Allele frequency attached by ClinVar (database versions not stated): gnomAD 0.00001.

Submissions (2):

PreventionGenetics, part of Exact Sciences
Classification: Uncertain significance for HJV-related condition. Last evaluated: 2025-06-24. Review status: criteria provided, single submitter. Criteria: ACMG Guidelines, 2015. Collection method: clinical testing. Allele origin: germline.
Comment: The HJV c.140T>C variant is predicted to result in the amino acid substitution p.Val47Ala. To our knowledge, this variant has not been reported in the literature or in a large population database (gnomAD), indicating this variant is rare. At this time, the clinical significance of this variant is uncertain due to the absence of conclusive functional and genetic evidence.

Ambry Genetics
Classification: Uncertain significance. Last evaluated: 2022-12-13. Review status: criteria provided, single submitter. Criteria: Ambry Variant Classification Scheme 2023. Collection method: clinical testing. Allele origin: germline.